The following is an entry in ClinVar:

NM_000059.4(BRCA2):c.1798_1802del (p.Tyr600fs)

Gene: BRCA2 (BRCA2 DNA repair associated; plus strand). Cytogenetic location: 13q13.1.
Variant type: Deletion.
Coding change: c.1798_1802del on transcript NM_000059.4 (MANE Select); coding-DNA positions 1798 to 1802, 5 bases deleted (TATAA; older notation c.1798_1802delTATAA).
Protein change: p.Tyr600fs; shifts the reading frame from tyrosine 600.
Molecular consequence: frameshift variant.
Genome position (GRCh38, 1-based): chr13:32,333,276-32,333,280, TATAA deleted. VCF-style (leftmost placement, unchanged base first): chr13-32333275-TTATAA-T. GRCh37 (hg19) VCF-style: chr13-32907412-TTATAA-T.
Other names: 2026_2030delTATAA; c.1798_1802delTATAA (NM_000059.3).
Identifiers: ClinVar variation 266661 (VCV000266661.9), dbSNP rs886040390, ClinGen allele CA10589120.
Genomic context (GRCh38, chr13:32,333,275, plus strand): 5'-AATATCCACTTTGAAAAAGAAAACAAATAAGTTTATTTATGCTATACATGATGAAACATC[TTATAA>T]AGGAAAAAAAATACCGAAAGACCAAAAATCAGAACTAATTAACTGTTCAGCCCAGTTTGA-3'

ClinVar aggregate classification (germline): Pathogenic. Review status: reviewed by expert panel (3 of 4 stars). 3 submissions from 3 submitters: Pathogenic (1). 2 of the submissions do not count toward it. Last evaluated 2016-10-18.

Conditions:
Breast-ovarian cancer, familial, susceptibility to, 2 (BROVCA2). Also called: BRCA2 Hereditary Breast and Ovarian Cancer. Identifiers: Orphanet 145, MedGen C2675520, MONDO:0012933, OMIM 612555. Disease mechanism: loss of function.
Hereditary cancer-predisposing syndrome. Also called: Tumor predisposition; Neoplastic Syndromes, Hereditary; Hereditary neoplastic syndrome; Hereditary Cancer Syndrome. Identifiers: Orphanet 140162, MedGen C0027672, MeSH D009386, MONDO:0015356.

Submissions (3):

Evidence-based Network for the Interpretation of Germline Mutant Alleles (ENIGMA)
Classification: Pathogenic for Breast-ovarian cancer, familial, susceptibility to, 2. Last evaluated: 2016-10-18. Review status: reviewed by expert panel. Criteria: ENIGMA BRCA1/2 Classification Criteria (2015). Collection method: curation. Allele origin: germline.
Comment: Variant allele predicted to encode a truncated non-functional protein.

Ambry Genetics
Classification: Pathogenic for Hereditary cancer-predisposing syndrome. Last evaluated: 2021-02-25. Review status: criteria provided, single submitter. Criteria: Ambry Variant Classification Scheme 2023. Collection method: clinical testing. Allele origin: germline. Not counted in ClinVar's aggregate classification.
Comment: The c.1798_1802delTATAA pathogenic mutation, located in coding exon 9 of the BRCA2 gene, results from a deletion of 5 nucleotides at nucleotide positions 1798 to 1802, causing a translational frameshift with a predicted alternate stop codon (p.Y600Rfs*14). This alteration was identified in a large, worldwide study of BRCA1/2 mutation positive families (Rebbeck TR et al. Hum Mutat, 2018 05;39:593-620). In addition to the clinical data presented in the literature, this alteration is expected to result in loss of function by premature protein truncation or nonsense-mediated mRNA decay. As such, this alteration is interpreted as a disease-causing mutation.

Consortium of Investigators of Modifiers of BRCA1/2 (CIMBA), c/o University of Cambridge
Classification: Pathogenic for Breast-ovarian cancer, familial, susceptibility to, 2. Last evaluated: 2015-10-02. Review status: criteria provided, single submitter. Criteria: CIMBA Mutation Classification guidelines May 2016. Collection method: clinical testing. Allele origin: germline. Not counted in ClinVar's aggregate classification.

Literature cited by the submitters: PubMed 29446198 (cited by Ambry Genetics).